The following is an entry in ClinVar:

ClinVar aggregate classification (germline): Uncertain significance. Review status: criteria provided, multiple submitters, no conflicts (2 of 4 stars). 2 submissions from 2 submitters: Uncertain significance (2). Last evaluated 2025-10-22.

Conditions:
Episodic ataxia type 2 (EA2). Also called: ATAXIA, EPISODIC, WITH NYSTAGMUS; ATAXIA, FAMILIAL PAROXYSMAL; CEREBELLAR ATAXIA, PAROXYSMAL, ACETAZOLAMIDE-RESPONSIVE; CEREBELLOPATHY, HEREDITARY PAROXYSMAL; EPISODIC ATAXIA, NYSTAGMUS-ASSOCIATED; ACETAZOLAMIDE-RESPONSIVE HEREDITARY PAROXYSMAL CEREBELLAR ATAXIA. Identifiers: Orphanet 97, MedGen C1720416, MONDO:0007163, OMIM 108500.
Developmental and epileptic encephalopathy, 42 (DEE42A). Also called: DEVELOPMENTAL AND EPILEPTIC ENCEPHALOPATHY 42A; EPILEPTIC ENCEPHALOPATHY, EARLY INFANTILE, 42A; Epileptic encephalopathy, early infantile, 42. Identifiers: MedGen C4310716, MONDO:0014917, OMIM 617106.

Submissions (2):

GeneDx
Classification: Uncertain significance. Last evaluated: 2025-10-22. Review status: criteria provided, single submitter. Criteria: GeneDx Variant Classification Process June 2021. Collection method: clinical testing. Allele origin: germline.
Comment: Not observed at significant frequency in large population cohorts (gnomAD); In silico analysis suggests that this missense variant does not alter protein structure/function; Has not been previously published as pathogenic or benign to our knowledge

Labcorp Genetics (formerly Invitae), Labcorp
Classification: Uncertain significance for Developmental and epileptic encephalopathy, 42; Episodic ataxia type 2. Last evaluated: 2022-02-18. Review status: criteria provided, single submitter. Criteria: Invitae Variant Classification Sherloc (09022015). Collection method: clinical testing. Allele origin: germline.
Comment: This sequence change replaces histidine, which is basic and polar, with tyrosine, which is neutral and polar, at codon 1405 of the CACNA1A protein (p.His1405Tyr). In summary, the available evidence is currently insufficient to determine the role of this variant in disease. Therefore, it has been classified as a Variant of Uncertain Significance. Advanced modeling of protein sequence and biophysical properties (such as structural, functional, and spatial information, amino acid conservation, physicochemical variation, residue mobility, and thermodynamic stability) performed at Invitae indicates that this missense variant is not expected to disrupt CACNA1A protein function. This variant has not been reported in the literature in individuals affected with CACNA1A-related conditions. This variant is not present in population databases (gnomAD no frequency).

NM_001127222.2(CACNA1A):c.4210C>T (p.His1404Tyr)

Genes: CACNA1A (calcium voltage-gated channel subunit alpha1 A; minus strand), LOC126862864 (MED14-independent group 3 enhancer GRCh37_chr19:13371552-13372751; plus strand). Cytogenetic location: 19p13.13.
Variant type: single nucleotide variant.
Coding change: c.4210C>T on transcript NM_001127222.2 (MANE Select); coding-DNA position 4210, C replaced by T.
Protein change: p.His1404Tyr; replaces histidine 1404 with tyrosine.
Molecular consequence: missense variant.
Genome position (GRCh38, 1-based): chr19:13,261,490, G>A on the plus strand (C>T on the coding strand, the complement: CACNA1A is on the minus strand). VCF-style: chr19-13261490-G-A. GRCh37 (hg19) VCF-style: chr19-13372304-G-A.
Other names: c.4222C>T, p.His1408Tyr (NM_000068.4, NM_023035.3); c.4213C>T, p.His1405Tyr (NM_001127221.2, NM_001174080.2); short protein forms H1404Y, H1405Y, H1408Y.
Identifiers: ClinVar variation 1801110 (VCV001801110.7), dbSNP rs1284800758, ClinGen allele CA404339619.
Genomic context (GRCh38, chr19:13,261,490, plus strand): 5'-GCTGGAAAGTGGAGACCCACCGACAATCTTTCTCAAACTCTTTGGACTCGTCAGTGCAGT[G>A]GAAGAATTTCCCCTTGAAGAGCTGCACAGCCACCACGGCGAAGATGAACATGAATAGCAT-3'
Protein context (NP_001120694.1, residues 1394-1414): AVQLFKGKFF[His1404Tyr]CTDESKEFEK